The following is an entry in ClinVar:

ClinVar aggregate classification (germline): Uncertain significance (1 of 4 stars; one submission).

Conditions:
Pyruvate carboxylase deficiency. Also called: PC DEFICIENCY; ATAXIA WITH LACTIC ACIDOSIS II; Pyruvate Carboxylase Deficiency Disease; LEIGH NECROTIZING ENCEPHALOPATHY DUE TO PYRUVATE CARBOXYLASE DEFICIENCY; LEIGH SYNDROME DUE TO PYRUVATE CARBOXYLASE DEFICIENCY. Identifiers: Orphanet 3008, MedGen C0034341, MONDO:0009949, OMIM 266150.

Allele frequency attached by ClinVar (database versions not stated): TOPMed 0.00001.

Submission:

Labcorp Genetics (formerly Invitae), Labcorp
Classification: Uncertain significance for Pyruvate carboxylase deficiency. Last evaluated: 2021-08-13. Review status: criteria provided, single submitter. Criteria: Invitae Variant Classification Sherloc (09022015). Collection method: clinical testing. Allele origin: germline.
Comment: This sequence change replaces proline with histidine at codon 808 of the PC protein (p.Pro808His). The proline residue is highly conserved and there is a moderate physicochemical difference between proline and histidine. This variant is not present in population databases (ExAC no frequency). This missense change has been observed in individual(s) with pyruvate carboxylase deficiency (Invitae). Algorithms developed to predict the effect of missense changes on protein structure and function are either unavailable or do not agree on the potential impact of this missense change (SIFT: "Deleterious"; PolyPhen-2: "Probably Damaging"; Align-GVGD: "Class C0"). In summary, the available evidence is currently insufficient to determine the role of this variant in disease. Therefore, it has been classified as a Variant of Uncertain Significance.

NM_001040716.2(PC):c.2423C>A (p.Pro808His)

Gene: PC (pyruvate carboxylase; minus strand). Cytogenetic location: 11q13.2.
Variant type: single nucleotide variant.
Coding change: c.2423C>A on transcript NM_001040716.2 (MANE Select); coding-DNA position 2423, C replaced by A.
Protein change: p.Pro808His; replaces proline 808 with histidine.
Molecular consequence: missense variant.
Genome position (GRCh38, 1-based): chr11:66,850,724, G>T on the plus strand (C>A on the coding strand, the complement: PC is on the minus strand). VCF-style: chr11-66850724-G-T. GRCh37 (hg19) VCF-style: chr11-66618195-G-T.
Other names: c.2423C>A, p.Pro808His (NM_000920.4, NM_022172.3); short protein forms P808H.
Identifiers: ClinVar variation 659063 (VCV000659063.6), dbSNP rs1591116883, ClinGen allele CA381493009.